The following is an entry in ClinVar:

NM_080680.3(COL11A2):c.3992G>C (p.Arg1331Pro)

Gene: COL11A2 (collagen type XI alpha 2 chain; minus strand). Cytogenetic location: 6p21.32.
Variant type: single nucleotide variant.
Coding change: c.3992G>C on transcript NM_080680.3 (MANE Select); coding-DNA position 3992, G replaced by C.
Protein change: p.Arg1331Pro; replaces arginine 1331 with proline.
Molecular consequence: missense variant.
Genome position (GRCh38, 1-based): chr6:33,167,821, C>G on the plus strand (G>C on the coding strand, the complement: COL11A2 is on the minus strand). VCF-style: chr6-33167821-C-G. GRCh37 (hg19) VCF-style: chr6-33135598-C-G.
Other names: c.3671G>C, p.Arg1224Pro (NM_080679.3); c.3734G>C, p.Arg1245Pro (NM_080681.3); short protein forms R1224P, R1245P, R1331P.
Identifiers: ClinVar variation 1207862 (VCV001207862.6), dbSNP rs146082418, ClinGen allele CA137063151.

ClinVar aggregate classification (germline): Uncertain significance. Review status: criteria provided, multiple submitters, no conflicts (2 of 4 stars). 3 submissions from 3 submitters: Uncertain significance (3). Last evaluated 2025-10-05.

Allele frequency attached by ClinVar (database versions not stated): gnomAD 0.00001.
gnomAD v4.1: 5 of 1,612,688 alleles (0.00031%); highest among the groups gnomAD compares: Non-Finnish European, 0.00042%; no homozygotes.

Submissions (3):

Labcorp Genetics (formerly Invitae), Labcorp
Classification: Uncertain significance. Last evaluated: 2025-10-05. Review status: criteria provided, single submitter. Criteria: Invitae Variant Classification Sherloc (09022015). Collection method: clinical testing. Allele origin: germline.
Comment: This sequence change replaces arginine, which is basic and polar, with proline, which is neutral and non-polar, at codon 1331 of the COL11A2 protein (p.Arg1331Pro). This variant is not present in population databases (gnomAD no frequency). This variant has not been reported in the literature in individuals affected with COL11A2-related conditions. ClinVar contains an entry for this variant (Variation ID: 1207862). Invitae Evidence Modeling of protein sequence and biophysical properties (such as structural, functional, and spatial information, amino acid conservation, physicochemical variation, residue mobility, and thermodynamic stability) indicates that this missense variant is not expected to disrupt COL11A2 protein function with a negative predictive value of 95%. In summary, the available evidence is currently insufficient to determine the role of this variant in disease. Therefore, it has been classified as a Variant of Uncertain Significance.

Blueprint Genetics
Classification: Uncertain significance. Last evaluated: 2021-11-02. Review status: criteria provided, single submitter. Criteria: ACMG Guidelines, 2015. Collection method: clinical testing. Allele origin: germline.

GeneDx
Classification: Uncertain significance. Last evaluated: 2019-07-17. Review status: criteria provided, single submitter. Criteria: GeneDx Variant Classification Process June 2021. Collection method: clinical testing. Allele origin: germline. Affected: yes.
Comment: Has not been previously published as pathogenic or benign to our knowledge; In silico analysis, which includes protein predictors and evolutionary conservation, supports a deleterious effect; Not observed in large population cohorts (Lek et al., 2016)